The following is an entry in ClinVar:

ClinVar aggregate classification (germline): Benign (1 of 4 stars; one submission).

Allele frequency attached by ClinVar (database versions not stated): 1000 Genomes Project 0.09685; 1000 Genomes Project 30x 0.09916; ESP Exome Variant Server 0.10618; gnomAD 0.11037; TOPMed 0.11240; gnomAD exomes 0.13072.
gnomAD v4.1: 207,680 of 1,613,472 alleles (13%); highest among the groups gnomAD compares: Admixed American, 22%; 14,388 homozygotes.

Submission:

Unidad de Genómica Garrahan, Hospital de Pediatría Garrahan
Classification: Benign. Last evaluated: 2024-01-24. Review status: criteria provided, single submitter. Criteria: ACMG Guidelines, 2015. Collection method: clinical testing. Allele origin: germline. Affected: no. Observed: 36 variant alleles.
Comment: This variant is classified as Benign based on local population frequency. This variant was detected in 41% of patients studied by a panel of primary immunodeficiencies. Number of patients: 36. Only high quality variants are reported.

NM_001040458.3(ERAP1):c.1251C>T (p.His417=)

Gene: ERAP1 (endoplasmic reticulum aminopeptidase 1; minus strand). Cytogenetic location: 5q15.
Variant type: single nucleotide variant.
Coding change: c.1251C>T on transcript NM_001040458.3 (MANE Select); coding-DNA position 1251, C replaced by T.
Protein change: p.His417=; no amino-acid change (histidine 417 retained).
Molecular consequence: synonymous variant.
Genome position (GRCh38, 1-based): chr5:96,792,130, G>A on the plus strand (C>T on the coding strand, the complement: ERAP1 is on the minus strand). VCF-style: chr5-96792130-G-A. GRCh37 (hg19) VCF-style: chr5-96127833-G-A.
Other names: c.1251C>T, p.His417= (NM_001198541.3, NM_001349244.2, NM_016442.5).
Identifiers: ClinVar variation 2688437 (VCV002688437.2), dbSNP rs3213809, ClinGen allele CA3352318.
Genomic context (GRCh38, chr5:96,792,130, plus strand): 5'-AGAAACATCATCAAACATCTCCCGGATCTGAGCAGGATTTTCCACAGGTGTAGACACAGG[G>A]TGTGAGGAATTTAAAGCATCTACCTCCATTGCGTCAAAACATTTGCCAAAGAAATAATCT-3'
Protein context (NP_001035548.1, residues 407-427): AMEVDALNSS[His417=]PVSTPVENPA